The following is an entry in ClinVar:

NM_001100913.3(PACS2):c.2517C>T (p.Asp839=)

Gene: PACS2 (phosphofurin acidic cluster sorting protein 2; plus strand). Cytogenetic location: 14q32.33.
Variant type: single nucleotide variant.
Coding change: c.2517C>T on transcript NM_001100913.3 (MANE Select); coding-DNA position 2517, C replaced by T.
Protein change: p.Asp839=; no amino-acid change (aspartic acid 839 retained).
Molecular consequence: synonymous variant.
Genome position (GRCh38, 1-based): chr14:105,393,256, C>T. VCF-style: chr14-105393256-C-T. GRCh37 (hg19) VCF-style: chr14-105859593-C-T.
Other names: c.2247C>T, p.Asp749= (NM_001243127.3); c.2472C>T, p.Asp824= (NM_015197.4); c.2517C>T (NM_001100913.2).
Identifiers: ClinVar variation 1588343 (VCV001588343.35), dbSNP rs141292203, ClinGen allele CA7389312.
Genomic context (GRCh38, chr14:105,393,256, plus strand): 5'-CAGCAGGGCCTCTTTTCTCCTCCCAGTGATGTTTCTGCCCAAGAAAGCGAAGGACAAGGA[C>T]GTGGAGTCTAAGAGCCAGTGCATTGAGGGCATCAGCCGGCTCATCTGCACTGCCAGGCAG-3'
Protein context (NP_001094383.2, residues 829-849): MFLPKKAKDK[Asp839=]VESKSQCIEG

ClinVar aggregate classification (germline): Benign/Likely benign. Review status: criteria provided, multiple submitters, no conflicts (2 of 4 stars). 5 submissions from 5 submitters: Benign (2); Likely benign (2). 1 of the submissions does not count toward it. Last evaluated 2026-07-01.

Conditions:
PACS2-related disorder. Also called: PACS2-related condition.

Allele frequency attached by ClinVar (database versions not stated): TOPMed 0.00036; ESP Exome Variant Server 0.00046; 1000 Genomes Project 30x 0.00047; gnomAD 0.00057 and 0.00059; 1000 Genomes Project 0.00060; ExAC 0.00121.

Submissions (5):

CeGaT Center for Human Genetics Tuebingen
Classification: Likely benign. Last evaluated: 2026-07-01. Review status: criteria provided, single submitter. Criteria: CeGaT Center For Human Genetics Tuebingen Variant Classification Criteria Version 2. Collection method: clinical testing. Allele origin: germline. Affected: yes. Observed: 9 variant alleles.
Comment: PACS2: BP4, BP7

Labcorp Genetics (formerly Invitae), Labcorp
Classification: Benign. Last evaluated: 2026-02-03. Review status: criteria provided, single submitter. Criteria: Invitae Variant Classification Sherloc (09022015). Collection method: clinical testing. Allele origin: germline.

Blueprint Genetics
Classification: Likely benign. Last evaluated: 2024-10-02. Review status: criteria provided, single submitter. Criteria: ACMG Guidelines, 2015. Collection method: clinical testing. Allele origin: germline.

Breakthrough Genomics
Classification: Benign. Review status: criteria provided, single submitter. Criteria: ACMG Guidelines, 2015. Collection method: not provided. Allele origin: germline. Inheritance: Autosomal dominant inheritance. Affected: yes.

PreventionGenetics, part of Exact Sciences
Classification: Likely benign for PACS2-related condition. Last evaluated: 2019-03-01. Review status: no assertion criteria provided. Collection method: clinical testing. Allele origin: germline. Not counted in ClinVar's aggregate classification.
Comment: This variant is classified as likely benign based on ACMG/AMP sequence variant interpretation guidelines (Richards et al. 2015 PMID: 25741868, with internal and published modifications).